The following is an entry in ClinVar:

NM_015443.4(KANSL1):c.2956G>A (p.Gly986Ser)

Gene: KANSL1 (KAT8 regulatory NSL complex subunit 1). Cytogenetic location: 17q21.31.
Variant type: single nucleotide variant.
Coding change: c.2956G>A on transcript NM_015443.4 (MANE Select); coding-DNA position 2956, G replaced by A.
Protein change: p.Gly986Ser; replaces glycine 986 with serine.
Molecular consequence: missense variant.
Genome position (GRCh38, 1-based): chr17:46,032,181, C>T on the plus strand (G>A on the coding strand, the complement: KANSL1 is on the minus strand). VCF-style: chr17-46032181-C-T. GRCh37 (hg19) VCF-style: chr17-44109547-C-T.
Other names: c.2953G>A, p.Gly985Ser (NM_001193465.2); c.2956G>A, p.Gly986Ser (NM_001193466.2, NM_001379198.1); short protein forms G985S, G986S.
Identifiers: ClinVar variation 1386415 (VCV001386415.6), dbSNP rs2146306880, ClinGen allele CA399986923.
Genomic context (GRCh38, chr17:46,032,181, plus strand): 5'-CCACAGGGGTGAGGGGTGCTGAGTGCAGTTCCGGGCTAATGGGGCTCCTAGGGGACTGAC[C>T]ATGGGAGTATTCTGACAAAGAGTGGCTACTGCTGACATCAGGGGAGGCAGGCTGGGGGGT-3'
Protein context (NP_056258.1, residues 976-996): SSHSLSEYSH[Gly986Ser]QSPRSPISPE

ClinVar aggregate classification (germline): Uncertain significance (1 of 4 stars; one submission).

Conditions:
Koolen-de Vries syndrome (KDVS). Identifiers: Orphanet 96169, MedGen C1864871, MONDO:0012496, OMIM 610443.

Allele frequency attached by ClinVar (database versions not stated): gnomAD exomes below 0.00001.
gnomAD v4.1: 1 of 1,612,106 alleles (0.000062%); highest among the groups gnomAD compares: Non-Finnish European, 0.000085%; no homozygotes.

Submission:

Labcorp Genetics (formerly Invitae), Labcorp
Classification: Uncertain significance for Koolen-de Vries syndrome. Last evaluated: 2021-10-12. Review status: criteria provided, single submitter. Criteria: Invitae Variant Classification Sherloc (09022015). Collection method: clinical testing. Allele origin: germline.
Comment: This variant has not been reported in the literature in individuals affected with KANSL1-related conditions. In summary, the available evidence is currently insufficient to determine the role of this variant in disease. Therefore, it has been classified as a Variant of Uncertain Significance. Algorithms developed to predict the effect of sequence changes on RNA splicing suggest that this variant may create or strengthen a splice site. Algorithms developed to predict the effect of missense changes on protein structure and function output the following: SIFT: "Deleterious"; PolyPhen-2: "Benign"; Align-GVGD: "Class C0". The serine amino acid residue is found in multiple mammalian species, which suggests that this missense change does not adversely affect protein function. This variant is not present in population databases (ExAC no frequency). This sequence change replaces glycine with serine at codon 986 of the KANSL1 protein (p.Gly986Ser). The glycine residue is highly conserved and there is a small physicochemical difference between glycine and serine.